The following is an entry in ClinVar:

NM_002742.3(PRKD1):c.327C>T (p.Thr109=)

Gene: PRKD1 (protein kinase D1; minus strand). Cytogenetic location: 14q12.
Variant type: single nucleotide variant.
Coding change: c.327C>T on transcript NM_002742.3 (MANE Select); coding-DNA position 327, C replaced by T.
Protein change: p.Thr109=; no amino-acid change (threonine 109 retained).
Molecular consequence: synonymous variant.
Genome position (GRCh38, 1-based): chr14:29,725,612, G>A on the plus strand (C>T on the coding strand, the complement: PRKD1 is on the minus strand). VCF-style: chr14-29725612-G-A. GRCh37 (hg19) VCF-style: chr14-30194818-G-A.
Other names: c.327C>T, p.Thr109= (NM_001330069.2); c.39C>T, p.Thr13= (NM_001348390.1); c.327C>T (NM_002742.2).
Identifiers: ClinVar variation 3043184 (VCV003043184.4), dbSNP rs149055040, ClinGen allele CA7141508.

ClinVar aggregate classification (germline): Conflicting classifications of pathogenicity. Review status: criteria provided, conflicting classifications (1 of 4 stars). 3 submissions from 3 submitters: Uncertain significance (1); Likely benign (1). 1 of the submissions does not count toward it. Last evaluated 2026-03-31.

Conditions:
PRKD1-related disorder. Also called: PRKD1-related condition.

Allele frequency attached by ClinVar (database versions not stated): gnomAD 0.00052; 1000 Genomes Project 0.00060; gnomAD exomes 0.00010; TOPMed 0.00052; ESP Exome Variant Server 0.00054; ExAC 0.00023; 1000 Genomes Project 30x 0.00062.
gnomAD v4.1: 227 of 1,613,752 alleles (0.014%); highest among the groups gnomAD compares: African/African-American, 0.16%; no homozygotes.

Submissions (3):

GeneDx
Classification: Uncertain significance. Last evaluated: 2026-03-31. Review status: criteria provided, single submitter. Criteria: GeneDx Variant Classification Process June 2021. Collection method: clinical testing. Allele origin: germline.
Comment: In silico analysis suggests that this variant does not alter splicing; Has not been previously published as pathogenic or benign to our knowledge

Blueprint Genetics
Classification: Likely benign. Last evaluated: 2024-09-18. Review status: criteria provided, single submitter. Criteria: ACMG Guidelines, 2015. Collection method: clinical testing. Allele origin: germline.

PreventionGenetics, part of Exact Sciences
Classification: Likely benign for PRKD1-related condition. Last evaluated: 2019-06-29. Review status: no assertion criteria provided. Collection method: clinical testing. Allele origin: germline. Not counted in ClinVar's aggregate classification.
Comment: This variant is classified as likely benign based on ACMG/AMP sequence variant interpretation guidelines (Richards et al. 2015 PMID: 25741868, with internal and published modifications).